The following is an entry in ClinVar:

NM_024334.3(TMEM43):c.749dup (p.Asp251fs)

Gene: TMEM43 (transmembrane protein 43; plus strand). Cytogenetic location: 3p25.1.
Variant type: Duplication.
Coding change: c.749dup on transcript NM_024334.3 (MANE Select); coding-DNA position 749, one base duplicated (G; older notation c.749dupG).
Protein change: p.Asp251fs; shifts the reading frame from aspartic acid 251.
Molecular consequence: frameshift variant.
Genome position (GRCh38, 1-based): chr3:14,135,201, G duplicated; the last of 2 consecutive G bases (chr3:14,135,200-14,135,201); duplicating either gives the same sequence. VCF-style (leftmost placement, unchanged base first): chr3-14135199-C-CG. GRCh37 (hg19) VCF-style: chr3-14176699-C-CG.
Other names: short protein forms D251fs.
Identifiers: ClinVar variation 1678071 (VCV001678071.12), dbSNP rs1695151947, ClinGen allele CA1346970675.

ClinVar aggregate classification (germline): Uncertain significance. Review status: criteria provided, multiple submitters, no conflicts (2 of 4 stars). 6 submissions from 6 submitters: Uncertain significance (6). Last evaluated 2025-10-26.

Conditions:
Emery-Dreifuss muscular dystrophy 7, autosomal dominant (EDMD7). Also called: Emery-Dreifuss muscular dystrophy 7, AD. Identifiers: Orphanet 261, MedGen C3553060, MONDO:0013677, OMIM 614302.
Arrhythmogenic right ventricular dysplasia 5. Also called: Arrhythmogenic Right Ventricular Dysplasia/Cardiomyopathy 5; ARRHYTHMOGENIC RIGHT VENTRICULAR DYSPLASIA, FAMILIAL, 5. Identifiers: MedGen C1858379, MONDO:0011459, OMIM 604400.
Auditory neuropathy, autosomal dominant 3 (AUNA3). Identifiers: MedGen C5676964, MONDO:0859235, OMIM 619832.
Cardiomyopathy (CMYO). Also called: Cardiomyopathies. Identifiers: Orphanet 167848, MedGen C0878544, MONDO:0004994, HP:0001638. Inheritance: Various modes of inheritance.
Cardiovascular phenotype. Identifiers: MedGen CN230736.

Submissions (6):

Labcorp Genetics (formerly Invitae), Labcorp
Classification: Uncertain significance for Arrhythmogenic right ventricular dysplasia 5. Last evaluated: 2025-10-26. Review status: criteria provided, single submitter. Criteria: Invitae Variant Classification Sherloc (09022015). Collection method: clinical testing. Allele origin: germline.
Comment: This sequence change creates a premature translational stop signal (p.Asp251Argfs*2) in the TMEM43 gene. It is expected to result in an absent or disrupted protein product. However, the current clinical and genetic evidence is not sufficient to establish whether loss-of-function variants in TMEM43 cause disease. This variant is not present in population databases (gnomAD no frequency). This variant has not been reported in the literature in individuals affected with TMEM43-related conditions. ClinVar contains an entry for this variant (Variation ID: 1678071). Algorithms developed to predict the effect of sequence changes on RNA splicing suggest that this variant may disrupt the consensus splice site. In summary, the available evidence is currently insufficient to determine the role of this variant in disease. Therefore, it has been classified as a Variant of Uncertain Significance.

All of Us Research Program, National Institutes of Health
Classification: Uncertain significance for Arrhythmogenic right ventricular dysplasia 5. Last evaluated: 2024-05-14. Review status: criteria provided, single submitter. Criteria: ACMG Guidelines, 2015. Collection method: clinical testing. Allele origin: germline. Inheritance: Autosomal dominant inheritance. Observed: 1 variant allele, 1 heterozygote.
Comment: This variant inserts 1 nucleotide in exon 9 of the TMEM43 gene, creating a frameshift and premature translation stop signal. This variant is expected to result in an absent or non-functional protein product. To our knowledge, this variant has not been reported in individuals affected with cardiovascular disorders in the literature. This variant has not been identified in the general population by the Genome Aggregation Database (gnomAD). Clinical relevance of loss-of-function truncation and splice variants in the TMEM43 gene is not clearly established. The available evidence is insufficient to determine the role of this variant in disease conclusively. Therefore, this variant is classified as a Variant of Uncertain Significance.

This study involves interpretation of variants in research participants for the purpose of population health screening. Participant phenotype was not available at the time of variant classification. Additional details can be found in publication PMID: 35346344, PMCID: PMC8962531

Color Diagnostics, LLC DBA Color Health
Classification: Uncertain significance for Cardiomyopathy. Last evaluated: 2024-04-25. Review status: criteria provided, single submitter. Criteria: ACMG Guidelines, 2015. Collection method: clinical testing. Allele origin: germline.
Comment: This variant causes duplication of 1 nucleotide in exon 9 of the TMEM43 gene, creating a frameshift and premature translation stop signal. This variant is expected to result in an absent or non-functional protein product. To our knowledge, this variant has not been reported in individuals affected with TMEM43-related disorders in the literature. This variant has not been identified in the general population by the Genome Aggregation Database (gnomAD). The available evidence is insufficient to determine the role of this variant in disease conclusively. Therefore, this variant is classified as a Variant of Uncertain Significance.

Ambry Genetics
Classification: Uncertain significance for Cardiovascular phenotype. Last evaluated: 2022-07-27. Review status: criteria provided, single submitter. Criteria: Ambry Variant Classification Scheme 2023. Collection method: clinical testing. Allele origin: germline.
Comment: The c.749dupG variant, located in coding exon 9 of the TMEM43 gene, results from a duplication of G at nucleotide position 749, causing a translational frameshift with a predicted alternate stop codon (p.D251Rfs*2). This alteration is expected to result in premature protein truncation or nonsense-mediated mRNA decay. However, loss of function of TMEM43 has not been clearly established as a mechanism of disease. Since supporting evidence is limited at this time, the clinical significance of this alteration remains unclear.

AiLife Diagnostics
Classification: Uncertain significance. Last evaluated: 2022-03-23. Review status: criteria provided, single submitter. Criteria: ACMG Guidelines, 2015. Collection method: clinical testing. Allele origin: germline. Affected: yes. Observed: 1 variant allele.

Fulgent Genetics
Classification: Uncertain significance for Arrhythmogenic right ventricular dysplasia 5; Emery-Dreifuss muscular dystrophy 7, autosomal dominant; Auditory neuropathy, autosomal dominant 3. Last evaluated: 2021-08-27. Review status: criteria provided, single submitter. Criteria: ACMG Guidelines, 2015. Collection method: clinical testing. Allele origin: unknown.